The following is an entry in ClinVar:

ClinVar aggregate classification (germline): Likely pathogenic (1 of 4 stars; one submission).

Conditions:
Autosomal dominant intellectual disability-craniofacial anomalies-cardiac defects syndrome (ARTHS). Also called: Arboleda-Tham syndrome; Mental retardation, autosomal dominant 32; KAT6A syndrome. Identifiers: Orphanet 457193, MedGen C4225396, MONDO:0014558, OMIM 616268.

Submission:

3billion
Classification: Likely pathogenic for Autosomal dominant intellectual disability-craniofacial anomalies-cardiac defects syndrome. Last evaluated: 2025-07-08. Review status: criteria provided, single submitter. Criteria: ACMG Guidelines, 2015. Collection method: clinical testing. Allele origin: germline. Affected: yes.
Comment: The variant is not observed in the gnomAD v4.1.0 dataset. Predicted Consequence/Location: Frameshift: predicted to result in a loss or disruption of normal protein function through nonsense-mediated decay (NMD) or protein truncation. Multiple pathogenic variants are reported downstream of the variant. Therefore, this variant is classified as Likely pathogenic according to the recommendation of ACMG/AMP guideline.

NM_006766.5(KAT6A):c.243dup (p.Leu82fs)

Gene: KAT6A (lysine acetyltransferase 6A; minus strand). Cytogenetic location: 8p11.21.
Variant type: Duplication.
Coding change: c.243dup on transcript NM_006766.5 (MANE Select); coding-DNA position 243, one base duplicated (A; older notation c.243dupA).
Protein change: p.Leu82fs; shifts the reading frame from leucine 82.
Molecular consequence: frameshift variant.
Genome position (GRCh38, 1-based): chr8:42,048,735, T duplicated on the plus strand (A on the coding strand, the reverse complement: KAT6A is on the minus strand). VCF-style (leftmost placement, unchanged base first): chr8-42048734-G-GT. GRCh37 (hg19) VCF-style: chr8-41906252-G-GT.
Other names: c.243dup, p.Leu82fs (NM_001305878.2); short protein forms L82fs.
Identifiers: ClinVar variation 4854665 (VCV004854665.1).